The following is an entry in ClinVar:

NM_000465.4(BARD1):c.2277T>C (p.Pro759=)

Gene: BARD1 (BRCA1 associated RING domain 1; minus strand). Cytogenetic location: 2q35.
Variant type: single nucleotide variant.
Coding change: c.2277T>C on transcript NM_000465.4 (MANE Select); coding-DNA position 2277, T replaced by C.
Protein change: p.Pro759=; no amino-acid change (proline 759 retained).
Molecular consequence: synonymous variant. On other transcripts: non-coding transcript variant (3).
Genome position (GRCh38, 1-based): chr2:214,728,733, A>G on the plus strand (T>C on the coding strand, the complement: BARD1 is on the minus strand). VCF-style: chr2-214728733-A-G. GRCh37 (hg19) VCF-style: chr2-215593457-A-G.
Other names: c.2220T>C, p.Pro740= (NM_001282543.2); c.924T>C, p.Pro308= (NM_001282545.2); c.867T>C, p.Pro289= (NM_001282548.2); c.738T>C, p.Pro246= (NM_001282549.2).
Identifiers: ClinVar variation 482796 (VCV000482796.16), dbSNP rs766070611, ClinGen allele CA2090054.

ClinVar aggregate classification (germline): Benign/Likely benign. Review status: criteria provided, multiple submitters, no conflicts (2 of 4 stars). 3 submissions from 3 submitters: Benign (1); Likely benign (2). Last evaluated 2024-07-30.

Conditions:
Hereditary cancer-predisposing syndrome. Also called: Neoplastic Syndromes, Hereditary; Tumor predisposition; Hereditary Cancer Syndrome; Hereditary neoplastic syndrome. Identifiers: Orphanet 140162, MedGen C0027672, MeSH D009386, MONDO:0015356.
Familial cancer of breast. Also called: BREAST CANCER, FAMILIAL; Hereditary breast cancer; hereditary breast carcinoma. Identifiers: Orphanet 227535, MedGen C0346153, MONDO:0016419, OMIM 114480. Disease mechanism: loss of function.

Allele frequency attached by ClinVar (database versions not stated): gnomAD exomes below 0.00001 and 0.00001; ExAC 0.00001.
gnomAD v4.1: 1 of 1,614,238 alleles (0.000062%); highest among the groups gnomAD compares: East Asian, 0.0022%; no homozygotes.

Submissions (3):

Myriad Genetics, Inc.
Classification: Benign for Familial cancer of breast. Last evaluated: 2024-07-30. Review status: criteria provided, single submitter. Criteria: Myriad Autosomal Dominant, Autosomal Recessive and X-Linked Classification Criteria (2023). Collection method: clinical testing. Allele origin: unknown.
Comment: This variant is considered benign. This variant is a silent/synonymous amino acid change and it is not expected to impact splicing.

Labcorp Genetics (formerly Invitae), Labcorp
Classification: Likely benign for Familial cancer of breast. Last evaluated: 2023-08-20. Review status: criteria provided, single submitter. Criteria: Invitae Variant Classification Sherloc (09022015). Collection method: clinical testing. Allele origin: germline.

Ambry Genetics
Classification: Likely benign for Hereditary cancer-predisposing syndrome. Last evaluated: 2016-08-01. Review status: criteria provided, single submitter. Criteria: Ambry Variant Classification Scheme 2023. Collection method: clinical testing. Allele origin: germline.